The following is an entry in ClinVar:

NM_000719.7(CACNA1C):c.4885C>T (p.Arg1629Trp)

Genes: CACNA1C (calcium voltage-gated channel subunit alpha1 C; plus strand), CACNA1C-AS1 (CACNA1C antisense RNA 1; minus strand). Cytogenetic location: 12p13.33.
Variant type: single nucleotide variant.
Coding change: c.4885C>T on transcript NM_000719.7 (MANE Select); coding-DNA position 4885, C replaced by T.
Protein change: p.Arg1629Trp; replaces arginine 1629 with tryptophan.
Molecular consequence: missense variant. On other transcripts: non-coding transcript variant (1).
Genome position (GRCh38, 1-based): chr12:2,677,150, C>T. VCF-style: chr12-2677150-C-T. GRCh37 (hg19) VCF-style: chr12-2786316-C-T.
Other names: c.5029C>T, p.Arg1677Trp (NM_001129827.2, NM_199460.4); c.5008C>T, p.Arg1670Trp (NM_001129829.2); c.4885C>T, p.Arg1629Trp (NM_001129830.3, NM_001129840.2, NM_001129841.2 and 4 more transcripts); c.4969C>T, p.Arg1657Trp (NM_001129831.2); c.4945C>T, p.Arg1649Trp (NM_001129832.2); c.4942C>T, p.Arg1648Trp (NM_001129833.2, NM_001129834.2, NM_001129835.2); c.4936C>T, p.Arg1646Trp (NM_001129836.2); c.4909C>T, p.Arg1637Trp (NM_001129837.2, NM_001129838.2); and 3 more; short protein forms R1637W, R1646W, R1670W, R1657W, R1618W, R1626W, R1635W, R1649W.
Identifiers: ClinVar variation 1743814 (VCV001743814.3), dbSNP rs2531954785, ClinGen allele CA383378014.

ClinVar aggregate classification (germline): Uncertain significance. Review status: criteria provided, multiple submitters, no conflicts (2 of 4 stars). 2 submissions from 2 submitters: Uncertain significance (2). Last evaluated 2025-05-27.

Conditions:
Neurodevelopmental disorder with hypotonia, language delay, and skeletal defects with or without seizures (NEDHLSS). Identifiers: MedGen C5774213, MONDO:0859286, OMIM 620029.
Cardiovascular phenotype. Identifiers: MedGen CN230736.

Allele frequency attached by ClinVar (database versions not stated): gnomAD exomes below 0.00001.

Submissions (2):

Department of Paediatrics at Addenbrookes, Cambridge University Hospitals NHS Foundation Trust (UK)
Classification: Uncertain significance for Neurodevelopmental disorder with hypotonia, language delay, and skeletal defects with or without seizures. Last evaluated: 2025-05-27. Review status: criteria provided, single submitter. Criteria: Durkie Uk Practice Guidelines For Variant Classification V12 2024 (1). Collection method: clinical testing. Allele origin: unknown.
Comment: PM2_Moderate; PP2_Supporting; PP3_Supporting

Ambry Genetics
Classification: Uncertain significance for Cardiovascular phenotype. Last evaluated: 2022-01-18. Review status: criteria provided, single submitter. Criteria: Ambry Variant Classification Scheme 2023. Collection method: clinical testing. Allele origin: germline.
Comment: The p.R1629W variant (also known as c.4885C>T), located in coding exon 40 of the CACNA1C gene, results from a C to T substitution at nucleotide position 4885. The arginine at codon 1629 is replaced by tryptophan, an amino acid with dissimilar properties. This amino acid position is highly conserved in available vertebrate species. In addition, this alteration is predicted to be deleterious by in silico analysis. Since supporting evidence is limited at this time, the clinical significance of this alteration remains unclear.